The following is an entry in ClinVar:

ClinVar aggregate classification (germline): Uncertain significance. Review status: criteria provided, multiple submitters, no conflicts (2 of 4 stars). 3 submissions from 3 submitters: Uncertain significance (2). 1 of the submissions does not count toward it. Last evaluated 2024-01-22.

Conditions:
DNMT1-related disorder. Also called: DNMT1-related condition. Identifiers: MedGen CN381527.
Hereditary sensory neuropathy-deafness-dementia syndrome. Also called: Hereditary Sensory and Autonomic Neuropathy Type 1E (HSAN1E); Hereditary sensory neuropathy type IE; HSN IE; NEUROPATHY, HEREDITARY SENSORY, WITH HEARING LOSS AND DEMENTIA. Identifiers: Orphanet 456318, MedGen C3279885, MONDO:0013584, OMIM 614116.

Allele frequency attached by ClinVar (database versions not stated): TOPMed 0.00001; ExAC 0.00002.
gnomAD v4.1: 6 of 1,613,346 alleles (0.00037%); highest among the groups gnomAD compares: Admixed American, 0.0067%; no homozygotes.

Submissions (3):

Women's Health and Genetics/Laboratory Corporation of America, LabCorp
Classification: Uncertain significance. Last evaluated: 2024-01-22. Review status: criteria provided, single submitter. Criteria: LabCorp Variant Classification Summary - May 2015. Collection method: clinical testing. Allele origin: germline.
Comment: Variant summary: DNMT1 c.3524-5G>T alters a non-conserved nucleotide located close to a canonical splice site and therefore could affect mRNA splicing, leading to a significantly altered protein sequence. Consensus agreement among computation tools predict no significant impact on normal splicing. However, these predictions have yet to be confirmed by functional studies. The variant allele was found at a frequency of 2.4e-05 in 249566 control chromosomes, predominantly at a frequency of 0.00014 within the Latino subpopulation in the gnomAD database. The available data on variant occurrences in the general population are insufficient to allow any conclusion about variant significance. To our knowledge, no occurrence of c.3524-5G>T in individuals affected with Hereditary Sensory Neuropathy-Deafness Syndrome and no experimental evidence demonstrating its impact on protein function have been reported. ClinVar contains an entry for this variant (Variation ID: 2577344). Based on the evidence outlined above, the variant was classified as uncertain significance.

Labcorp Genetics (formerly Invitae), Labcorp
Classification: Uncertain significance for Hereditary sensory neuropathy-deafness-dementia syndrome. Last evaluated: 2023-09-29. Review status: criteria provided, single submitter. Criteria: Invitae Variant Classification Sherloc (09022015). Collection method: clinical testing. Allele origin: germline.
Comment: In summary, the available evidence is currently insufficient to determine the role of this variant in disease. Therefore, it has been classified as a Variant of Uncertain Significance. Algorithms developed to predict the effect of sequence changes on RNA splicing suggest that this variant may disrupt the consensus splice site. ClinVar contains an entry for this variant (Variation ID: 2577344). This variant has not been reported in the literature in individuals affected with DNMT1-related conditions. This variant is present in population databases (rs761815960, gnomAD 0.01%). This sequence change falls in intron 32 of the DNMT1 gene. It does not directly change the encoded amino acid sequence of the DNMT1 protein.

PreventionGenetics, part of Exact Sciences
Classification: Likely benign for DNMT1-related condition. Last evaluated: 2019-04-23. Review status: no assertion criteria provided. Collection method: clinical testing. Allele origin: germline. Not counted in ClinVar's aggregate classification.
Comment: This variant is classified as likely benign based on ACMG/AMP sequence variant interpretation guidelines (Richards et al. 2015 PMID: 25741868, with internal and published modifications).

NM_001130823.3(DNMT1):c.3524-5G>T

Gene: DNMT1 (DNA methyltransferase 1; minus strand). Cytogenetic location: 19p13.2.
Variant type: single nucleotide variant.
Coding change: c.3524-5G>T on transcript NM_001130823.3 (MANE Select); 5 bases into the intron before coding-DNA position 3524, G replaced by T.
Molecular consequence: intron variant.
Genome position (GRCh38, 1-based): chr19:10,140,333, C>A on the plus strand (G>T on the coding strand, the complement: DNMT1 is on the minus strand). VCF-style: chr19-10140333-C-A. GRCh37 (hg19) VCF-style: chr19-10251009-C-A.
Other names: c.3161-5G>T (NM_001318731.2); c.3476-5G>T (NM_001379.4, NM_001318730.2); c.3524-5G>T (NM_001130823.2).
Identifiers: ClinVar variation 2577344 (VCV002577344.7), dbSNP rs761815960, ClinGen allele CA9187712.
Genomic context (GRCh38, chr19:10,140,333, plus strand): 5'-GAACGCCTGGGCCGCAGGGTCCCACATCTCGATGGCCCACAGCGTGTCAGAGATGCCTGG[C>A]AGATCAAGCACGAAGCCATGCTTTCAACTCTCCAGAAGATTTTTTTTTTTTTTTGAGATG-3'